The following is an entry in ClinVar:

NM_020207.7(ERCC6L2):c.1518del (p.Lys505_Tyr506insTer)

Gene: ERCC6L2 (ERCC excision repair 6 like 2; plus strand). Cytogenetic location: 9q22.32.
Variant type: Deletion.
Coding change: c.1518del on transcript NM_020207.7 (MANE Select); coding-DNA position 1518, one base deleted (C; older notation c.1518delC).
Protein change: p.Lys505_Tyr506insTer.
Molecular consequence: nonsense. On other transcripts: non-coding transcript variant (1).
Genome position (GRCh38, 1-based): chr9:95,923,364, C deleted. VCF-style (leftmost placement, unchanged base first): chr9-95923363-AC-A. GRCh37 (hg19) VCF-style: chr9-98685645-AC-A.
Other names: c.1518del, p.Lys505_Tyr506insTer (NM_001010895.4, NM_001375291.1, NM_001375292.1 and 2 more transcripts).
Identifiers: ClinVar variation 4798720 (VCV004798720.1).
Genomic context (GRCh38, chr9:95,923,363, plus strand): 5'-TCCCAGATTTTGTGCAGAAAAGCAAAGATGCAGCCTTTGAAACACTTTCTGACCCTAAAT[AC>A]AGTGGAAAAATGAAGGTAAGTGCTCCTCTTTCAGGTTGCATACAGACATGATACACAAAA-3'

ClinVar aggregate classification (germline): Pathogenic (1 of 4 stars; one submission).

Submission:

Labcorp Genetics (formerly Invitae), Labcorp
Classification: Pathogenic. Last evaluated: 2026-01-12. Review status: criteria provided, single submitter. Criteria: Invitae Variant Classification Sherloc (09022015). Collection method: clinical testing. Allele origin: germline.
Comment: This sequence change creates a premature translational stop signal (p.Tyr517*) in the ERCC6L2 gene. It is expected to result in an absent or disrupted protein product. Loss-of-function variants in ERCC6L2 are known to be pathogenic (PMID: 24507776, 27185855, 29146883, 29987015). This variant is not present in population databases (gnomAD no frequency). This variant has not been reported in the literature in individuals affected with ERCC6L2-related conditions. For these reasons, this variant has been classified as Pathogenic.

Literature cited by the submitters: PubMed 24507776; PubMed 27185855; PubMed 29146883; PubMed 29987015.